The following is an entry in ClinVar:

NM_001848.3(COL6A1):c.1575+4A>G

Gene: COL6A1 (collagen type VI alpha 1 chain; plus strand). Cytogenetic location: 21q22.3.
Variant type: single nucleotide variant.
Coding change: c.1575+4A>G on transcript NM_001848.3 (MANE Select); 4 bases into the intron after coding-DNA position 1575, A replaced by G.
Molecular consequence: intron variant.
Genome position (GRCh38, 1-based): chr21:45,998,175, A>G. VCF-style: chr21-45998175-A-G. GRCh37 (hg19) VCF-style: chr21-47418089-A-G.
Identifiers: ClinVar variation 1357961 (VCV001357961.6), dbSNP rs1306019240, ClinGen allele CA638181080.

ClinVar aggregate classification (germline): Uncertain significance (1 of 4 stars; one submission).

Conditions:
Bethlem myopathy 1A. Also called: MYOPATHY, BENIGN CONGENITAL, WITH CONTRACTURES; Bethlem Muscular Dystrophy; Bethlem myopathy 1. Identifiers: Orphanet 610, MedGen CN029274, MONDO:0024530, OMIM 158810.

Allele frequency attached by ClinVar (database versions not stated): gnomAD exomes below 0.00001 and 0.00001.
gnomAD v4.1: 2 of 1,611,788 alleles (0.00012%); highest among the groups gnomAD compares: Admixed American, 0.0017%; no homozygotes.

Submission:

Labcorp Genetics (formerly Invitae), Labcorp
Classification: Uncertain significance for Bethlem myopathy 1A. Last evaluated: 2022-06-20. Review status: criteria provided, single submitter. Criteria: Invitae Variant Classification Sherloc (09022015). Collection method: clinical testing. Allele origin: germline.
Comment: In summary, the available evidence is currently insufficient to determine the role of this variant in disease. Therefore, it has been classified as a Variant of Uncertain Significance. Variants that disrupt the consensus splice site are a relatively common cause of aberrant splicing (PMID: 17576681, 9536098). Algorithms developed to predict the effect of sequence changes on RNA splicing suggest that this variant may disrupt the consensus splice site. This variant has not been reported in the literature in individuals affected with COL6A1-related conditions. This variant is present in population databases (no rsID available, gnomAD 0.003%). This sequence change falls in intron 23 of the COL6A1 gene. It does not directly change the encoded amino acid sequence of the COL6A1 protein. It affects a nucleotide within the consensus splice site.

Literature cited by the submitters: PubMed 17576681; PubMed 9536098.